The following is an entry in ClinVar:

ClinVar aggregate classification (germline): Uncertain significance (1 of 4 stars; one submission).

Conditions:
MAGEL2-related disorder. Also called: MAGEL2-related condition.

gnomAD v4.1: 3 of 1,535,486 alleles (0.0002%); highest among the groups gnomAD compares: South Asian, 0.0024%; no homozygotes.

Submission:

PreventionGenetics, part of Exact Sciences
Classification: Uncertain significance for MAGEL2-related condition. Last evaluated: 2025-06-16. Review status: criteria provided, single submitter. Criteria: ACMG Guidelines, 2015. Collection method: clinical testing. Allele origin: germline.
Comment: The MAGEL2 c.671C>T variant is predicted to result in the amino acid substitution p.Pro224Leu. To our knowledge, this variant has not been reported in the literature. This variant is reported in 0.0045% of alleles in individuals of South Asian descent in gnomAD. This variant is interpreted as no interpretation set.

NM_019066.5(MAGEL2):c.671C>T (p.Pro224Leu)

Gene: MAGEL2 (MAGE family member L2; minus strand). Cytogenetic location: 15q11.2.
Variant type: single nucleotide variant.
Coding change: c.671C>T on transcript NM_019066.5 (MANE Select); coding-DNA position 671, C replaced by T.
Protein change: p.Pro224Leu; replaces proline 224 with leucine.
Molecular consequence: missense variant.
Genome position (GRCh38, 1-based): chr15:23,647,072, G>A on the plus strand (C>T on the coding strand, the complement: MAGEL2 is on the minus strand). VCF-style: chr15-23647072-G-A. GRCh37 (hg19) VCF-style: chr15-23892219-G-A.
Other names: short protein forms P224L.
Identifiers: ClinVar variation 5000473 (VCV005000473.1).